The following is an entry in ClinVar:

ClinVar aggregate classification (germline): Pathogenic (1 of 4 stars; one submission).

Submission:

Labcorp Genetics (formerly Invitae), Labcorp
Classification: Pathogenic. Last evaluated: 2025-03-18. Review status: criteria provided, single submitter. Criteria: Invitae Variant Classification Sherloc (09022015). Collection method: clinical testing. Allele origin: germline.
Comment: This sequence change creates a premature translational stop signal (p.Gln1284*) in the MPDZ gene. It is expected to result in an absent or disrupted protein product. Loss-of-function variants in MPDZ are known to be pathogenic (PMID: 23240096, 28556411). This variant is not present in population databases (gnomAD no frequency). This variant has not been reported in the literature in individuals affected with MPDZ-related conditions. For these reasons, this variant has been classified as Pathogenic.

Literature cited by the submitters: PubMed 23240096; PubMed 28556411.

NM_001378778.1(MPDZ):c.3850C>T (p.Gln1284Ter)

Gene: MPDZ (multiple PDZ domain crumbs cell polarity complex component; minus strand). Cytogenetic location: 9p23.
Variant type: single nucleotide variant.
Coding change: c.3850C>T on transcript NM_001378778.1 (MANE Select); coding-DNA position 3850, C replaced by T.
Protein change: p.Gln1284Ter; replaces glutamine 1284 with a stop codon.
Molecular consequence: nonsense.
Genome position (GRCh38, 1-based): chr9:13,140,140, G>A on the plus strand (C>T on the coding strand, the complement: MPDZ is on the minus strand). VCF-style: chr9-13140140-G-A. GRCh37 (hg19) VCF-style: chr9-13140139-G-A.
Other names: c.3640C>T, p.Gln1214Ter (NM_001375426.1, NM_001375420.1, NM_001375421.1 and 4 more transcripts); c.3442C>T, p.Gln1148Ter (NM_001375427.1); c.3850C>T, p.Gln1284Ter (NM_003829.5, NM_001330637.2, NM_001375413.1); c.3751C>T, p.Gln1251Ter (NM_001261406.2, NM_001261407.2, NM_001375416.1 and 3 more transcripts); short protein forms Q1148*, Q1214*, Q1284*, Q1251*.
Identifiers: ClinVar variation 3728501 (VCV003728501.2).